The following is an entry in ClinVar:

NM_139057.4(ADAMTS17):c.2419A>G (p.Ser807Gly)

Gene: ADAMTS17 (ADAM metallopeptidase with thrombospondin type 1 motif 17; minus strand). Cytogenetic location: 15q26.3.
Variant type: single nucleotide variant.
Coding change: c.2419A>G on transcript NM_139057.4 (MANE Select); coding-DNA position 2419, A replaced by G.
Protein change: p.Ser807Gly; replaces serine 807 with glycine.
Molecular consequence: missense variant.
Genome position (GRCh38, 1-based): chr15:100,051,608, T>C on the plus strand (A>G on the coding strand, the complement: ADAMTS17 is on the minus strand). VCF-style: chr15-100051608-T-C. GRCh37 (hg19) VCF-style: chr15-100591813-T-C.
Other names: short protein forms S807G.
Identifiers: ClinVar variation 1713569 (VCV001713569.5), dbSNP rs2141589958, ClinGen allele CA393693021.

ClinVar aggregate classification (germline): Uncertain significance (1 of 4 stars; one submission).

gnomAD v4.1: 1 of 1,614,078 alleles (0.000062%); highest among the groups gnomAD compares: Non-Finnish European, 0.000085%; no homozygotes.

Submission:

Labcorp Genetics (formerly Invitae), Labcorp
Classification: Uncertain significance. Last evaluated: 2022-07-23. Review status: criteria provided, single submitter. Criteria: Invitae Variant Classification Sherloc (09022015). Collection method: clinical testing. Allele origin: germline.
Comment: In summary, the available evidence is currently insufficient to determine the role of this variant in disease. Therefore, it has been classified as a Variant of Uncertain Significance. Algorithms developed to predict the effect of missense changes on protein structure and function are either unavailable or do not agree on the potential impact of this missense change (SIFT: "Not Available"; PolyPhen-2: "Probably Damaging"; Align-GVGD: "Not Available"). This variant has not been reported in the literature in individuals affected with ADAMTS17-related conditions. This variant is not present in population databases (gnomAD no frequency). This sequence change replaces serine, which is neutral and polar, with glycine, which is neutral and non-polar, at codon 807 of the ADAMTS17 protein (p.Ser807Gly).